The following is an entry in ClinVar:

NM_005002.5(NDUFA9):c.470A>G (p.Lys157Arg)

Gene: NDUFA9 (NADH:ubiquinone oxidoreductase subunit A9; plus strand). Cytogenetic location: 12p13.32.
Variant type: single nucleotide variant.
Coding change: c.470A>G on transcript NM_005002.5 (MANE Select); coding-DNA position 470, A replaced by G.
Protein change: p.Lys157Arg; replaces lysine 157 with arginine.
Molecular consequence: missense variant.
Genome position (GRCh38, 1-based): chr12:4,659,095, A>G. VCF-style: chr12-4659095-A-G. GRCh37 (hg19) VCF-style: chr12-4768261-A-G.
Other names: short protein forms K157R.
Identifiers: ClinVar variation 3604015 (VCV003604015.2).

ClinVar aggregate classification (germline): Uncertain significance (1 of 4 stars; one submission).

gnomAD v4.1: 1 of 1,612,320 alleles (0.000062%); highest among the groups gnomAD compares: Non-Finnish European, 0.000085%; no homozygotes.

Submission:

Labcorp Genetics (formerly Invitae), Labcorp
Classification: Uncertain significance. Last evaluated: 2024-02-07. Review status: criteria provided, single submitter. Criteria: Invitae Variant Classification Sherloc (09022015). Collection method: clinical testing. Allele origin: germline.
Comment: This sequence change replaces lysine, which is basic and polar, with arginine, which is basic and polar, at codon 157 of the NDUFA9 protein (p.Lys157Arg). This variant is not present in population databases (gnomAD no frequency). This variant has not been reported in the literature in individuals affected with NDUFA9-related conditions. An algorithm developed to predict the effect of missense changes on protein structure and function (PolyPhen-2) suggests that this variant is likely to be tolerated. In summary, the available evidence is currently insufficient to determine the role of this variant in disease. Therefore, it has been classified as a Variant of Uncertain Significance.